The following is an entry in ClinVar:

ClinVar aggregate classification (germline): Uncertain significance (1 of 4 stars; one submission).

Submission:

Labcorp Genetics (formerly Invitae), Labcorp
Classification: Uncertain significance. Last evaluated: 2022-01-12. Review status: criteria provided, single submitter. Criteria: Invitae Variant Classification Sherloc (09022015). Collection method: clinical testing. Allele origin: germline.
Comment: This sequence change replaces alanine, which is neutral and non-polar, with serine, which is neutral and polar, at codon 687 of the COL9A1 protein (p.Ala687Ser). This variant is not present in population databases (gnomAD no frequency). This variant has not been reported in the literature in individuals affected with COL9A1-related conditions. Advanced modeling of protein sequence and biophysical properties (such as structural, functional, and spatial information, amino acid conservation, physicochemical variation, residue mobility, and thermodynamic stability) performed at Invitae indicates that this missense variant is not expected to disrupt COL9A1 protein function. In summary, the available evidence is currently insufficient to determine the role of this variant in disease. Therefore, it has been classified as a Variant of Uncertain Significance.

NM_001851.6(COL9A1):c.2059G>T (p.Ala687Ser)

Gene: COL9A1 (collagen type IX alpha 1 chain; minus strand). Cytogenetic location: 6q13.
Variant type: single nucleotide variant.
Coding change: c.2059G>T on transcript NM_001851.6 (MANE Select); coding-DNA position 2059, G replaced by T.
Protein change: p.Ala687Ser; replaces alanine 687 with serine.
Molecular consequence: missense variant. On other transcripts: non-coding transcript variant (1).
Genome position (GRCh38, 1-based): chr6:70,240,709, C>A on the plus strand (G>T on the coding strand, the complement: COL9A1 is on the minus strand). VCF-style: chr6-70240709-C-A. GRCh37 (hg19) VCF-style: chr6-70950412-C-A.
Other names: c.1360G>T, p.Ala454Ser (NM_001377289.1); c.1330G>T, p.Ala444Ser (NM_001377290.1, NM_078485.4); short protein forms A687S, A444S, A454S.
Identifiers: ClinVar variation 2071618 (VCV002071618.4), dbSNP rs2483232950, ClinGen allele CA364674910.
Genomic context (GRCh38, chr6:70,240,709, plus strand): 5'-TGGTAAAGCTTCATCATTAACCAGAAAAAAAAAATCTTACAAGTTCCCCCCTTTCTCCTG[C>A]TTCACCTTCTTCACCAGAGGCACCCTAAAAATTAAGATAAAAGGTTACATTTTAAAATTC-3'
Protein context (NP_001842.3, residues 677-697): EQGASGEEGE[Ala687Ser]GERGELGDIG